The following is an entry in ClinVar:

NM_080473.5(GATA5):c.868C>T (p.Arg290Trp)

Gene: GATA5 (GATA binding protein 5; minus strand). Cytogenetic location: 20q13.33.
Variant type: single nucleotide variant.
Coding change: c.868C>T on transcript NM_080473.5 (MANE Select); coding-DNA position 868, C replaced by T.
Protein change: p.Arg290Trp; replaces arginine 290 with tryptophan.
Molecular consequence: missense variant.
Genome position (GRCh38, 1-based): chr20:62,465,879, G>A on the plus strand (C>T on the coding strand, the complement: GATA5 is on the minus strand). VCF-style: chr20-62465879-G-A. GRCh37 (hg19) VCF-style: chr20-61040935-G-A.
Other names: short protein forms R290W.
Identifiers: ClinVar variation 2628672 (VCV002628672.4), dbSNP rs1555896032, ClinGen allele CA409553440.

ClinVar aggregate classification (germline): Uncertain significance. Review status: criteria provided, multiple submitters, no conflicts (2 of 4 stars). 3 submissions from 3 submitters: Uncertain significance (3). Last evaluated 2025-06-08.

Conditions:
GATA5-related disorder. Also called: GATA5-related condition.

Allele frequency attached by ClinVar (database versions not stated): gnomAD exomes below 0.00001.
gnomAD v4.1: 6 of 1,598,814 alleles (0.00038%); highest among the groups gnomAD compares: Admixed American, 0.0034%; no homozygotes.

Submissions (3):

Labcorp Genetics (formerly Invitae), Labcorp
Classification: Uncertain significance. Last evaluated: 2025-06-08. Review status: criteria provided, single submitter. Criteria: Invitae Variant Classification Sherloc (09022015). Collection method: clinical testing. Allele origin: germline.
Comment: This sequence change replaces arginine, which is basic and polar, with tryptophan, which is neutral and slightly polar, at codon 290 of the GATA5 protein (p.Arg290Trp). The frequency data for this variant in the population databases is considered unreliable, as metrics indicate poor data quality at this position in the gnomAD database. This variant has not been reported in the literature in individuals affected with GATA5-related conditions. ClinVar contains an entry for this variant (Variation ID: 2628672). Invitae Evidence Modeling of protein sequence and biophysical properties (such as structural, functional, and spatial information, amino acid conservation, physicochemical variation, residue mobility, and thermodynamic stability) indicates that this missense variant is expected to disrupt GATA5 protein function with a positive predictive value of 80%. In summary, the available evidence is currently insufficient to determine the role of this variant in disease. Therefore, it has been classified as a Variant of Uncertain Significance.

GeneDx
Classification: Uncertain significance. Last evaluated: 2024-11-22. Review status: criteria provided, single submitter. Criteria: GeneDx Variant Classification Process June 2021. Collection method: clinical testing. Allele origin: germline.
Comment: Not observed at significant frequency in large population cohorts (gnomAD); In silico analysis supports that this missense variant has a deleterious effect on protein structure/function; Has not been previously published as pathogenic or benign to our knowledge

PreventionGenetics, part of Exact Sciences
Classification: Uncertain significance for GATA5-related condition. Last evaluated: 2023-04-14. Review status: criteria provided, single submitter. Criteria: ACMG Guidelines, 2015. Collection method: clinical testing. Allele origin: germline.
Comment: The GATA5 c.868C>T variant is predicted to result in the amino acid substitution p.Arg290Trp. To our knowledge, this variant has not been reported in the literature. This variant is reported in 0.0063% of alleles in individuals of Latino descent in gnomAD. At this time, the clinical significance of this variant is uncertain due to the absence of conclusive functional and genetic evidence.